The following is an entry in ClinVar:

NM_000748.3(CHRNB2):c.592A>G (p.Thr198Ala)

Gene: CHRNB2 (cholinergic receptor nicotinic beta 2 subunit; plus strand). Cytogenetic location: 1q21.3.
Variant type: single nucleotide variant.
Coding change: c.592A>G on transcript NM_000748.3 (MANE Select); coding-DNA position 592, A replaced by G.
Protein change: p.Thr198Ala; replaces threonine 198 with alanine.
Molecular consequence: missense variant.
Genome position (GRCh38, 1-based): chr1:154,571,415, A>G. VCF-style: chr1-154571415-A-G. GRCh37 (hg19) VCF-style: chr1-154543891-A-G.
Other names: short protein forms T198A.
Identifiers: ClinVar variation 3897144 (VCV003897144.1).

ClinVar aggregate classification (germline): Uncertain significance (1 of 4 stars; one submission).

gnomAD v4.1: 1 of 1,614,110 alleles (0.000062%); highest among the groups gnomAD compares: Non-Finnish European, 0.000085%; no homozygotes.

Submission:

GeneDx
Classification: Uncertain significance. Last evaluated: 2024-11-05. Review status: criteria provided, single submitter. Criteria: GeneDx Variant Classification Process June 2021. Collection method: clinical testing. Allele origin: germline. Affected: yes.
Comment: Not observed at significant frequency in large population cohorts (gnomAD); In silico analysis supports that this missense variant has a deleterious effect on protein structure/function; Has not been previously published as pathogenic or benign to our knowledge